The following is an entry in ClinVar:

NM_001079843.3(CASZ1):c.2858T>G (p.Leu953Arg)

Gene: CASZ1 (castor zinc finger 1; minus strand). Cytogenetic location: 1p36.22.
Variant type: single nucleotide variant.
Coding change: c.2858T>G on transcript NM_001079843.3 (MANE Select); coding-DNA position 2858, T replaced by G.
Protein change: p.Leu953Arg; replaces leucine 953 with arginine.
Molecular consequence: missense variant.
Genome position (GRCh38, 1-based): chr1:10,650,714, A>C on the plus strand (T>G on the coding strand, the complement: CASZ1 is on the minus strand). VCF-style: chr1-10650714-A-C. GRCh37 (hg19) VCF-style: chr1-10710771-A-C.
Other names: c.2858T>G, p.Leu953Arg (NM_017766.5); short protein forms L953R.
Identifiers: ClinVar variation 2629543 (VCV002629543.1), dbSNP rs2522110553, ClinGen allele CA338360273.

ClinVar aggregate classification (germline): Uncertain significance (1 of 4 stars; one submission).

Conditions:
CASZ1-related disorder. Also called: CASZ1-related condition.

Allele frequency attached by ClinVar (database versions not stated): gnomAD exomes below 0.00001.
gnomAD v4.1: 2 of 1,613,648 alleles (0.00012%); highest among the groups gnomAD compares: Non-Finnish European, 0.00017%; no homozygotes.

Submission:

PreventionGenetics, part of Exact Sciences
Classification: Uncertain significance for CASZ1-related condition. Last evaluated: 2023-09-03. Review status: criteria provided, single submitter. Criteria: ACMG Guidelines, 2015. Collection method: clinical testing. Allele origin: germline.
Comment: The CASZ1 c.2858T>G variant is predicted to result in the amino acid substitution p.Leu953Arg. To our knowledge, this variant has not been reported in the literature or in a large population database, indicating this variant is rare. At this time, the clinical significance of this variant is uncertain due to the absence of conclusive functional and genetic evidence.